The following is an entry in ClinVar:

ClinVar aggregate classification (germline): Benign (1 of 4 stars; one submission).

Submission:

Dasa
Classification: Benign. Last evaluated: 2025-12-12. Review status: criteria provided, single submitter. Criteria: DASA Assertion Criteria. Collection method: clinical testing. Allele origin: germline.
Comment: NM_002709.3(PPP1CB):c.*118_*122del is a sequence variant. Population frequency is inconsistent with a disease-causing role for this variant. Therefore, based on the currently available evidence, this variant is classified as benign.

NM_002709.3(PPP1CB):c.*118_*122del

Gene: PPP1CB (protein phosphatase 1 catalytic subunit beta; plus strand). Cytogenetic location: 2p23.2.
Variant type: Deletion.
Coding change: c.*118_*122del on transcript NM_002709.3 (MANE Select); 118 bases downstream of the stop codon through 122 bases downstream of the stop codon, 5 bases deleted (CTTAA; older notation c.*118_*122delCTTAA).
Molecular consequence: 3 prime UTR variant.
Genome position (GRCh38, 1-based): chr2:28,799,421-28,799,425, CTTAA deleted; deleting any 5 consecutive bases within chr2:28,799,417-28,799,425 gives the same sequence; the c. name uses the placement nearest the transcript's 3' end. VCF-style (leftmost placement, unchanged base first): chr2-28799416-TTTAAC-T. GRCh37 (hg19) VCF-style: chr2-29022282-TTTAAC-T.
Other names: c.*118_*122del (NM_206876.2).
Identifiers: ClinVar variation 4856942 (VCV004856942.2).